The following is an entry in ClinVar:

NM_000094.4(COL7A1):c.7223A>G (p.Gln2408Arg)

Gene: COL7A1 (collagen type VII alpha 1 chain; minus strand). Cytogenetic location: 3p21.31.
Variant type: single nucleotide variant.
Coding change: c.7223A>G on transcript NM_000094.4 (MANE Select); coding-DNA position 7223, A replaced by G.
Protein change: p.Gln2408Arg; replaces glutamine 2408 with arginine.
Molecular consequence: missense variant.
Genome position (GRCh38, 1-based): chr3:48,570,910, T>C on the plus strand (A>G on the coding strand, the complement: COL7A1 is on the minus strand). VCF-style: chr3-48570910-T-C. GRCh37 (hg19) VCF-style: chr3-48608343-T-C.
Other names: short protein forms Q2408R.
Identifiers: ClinVar variation 2820008 (VCV002820008.1), dbSNP rs2530871439, ClinGen allele CA352650215.

ClinVar aggregate classification (germline): Uncertain significance (1 of 4 stars; one submission).

Submission:

Labcorp Genetics (formerly Invitae), Labcorp
Classification: Uncertain significance. Last evaluated: 2022-12-18. Review status: criteria provided, single submitter. Criteria: Invitae Variant Classification Sherloc (09022015). Collection method: clinical testing. Allele origin: germline.
Comment: In summary, the available evidence is currently insufficient to determine the role of this variant in disease. Therefore, it has been classified as a Variant of Uncertain Significance. Advanced modeling of protein sequence and biophysical properties (such as structural, functional, and spatial information, amino acid conservation, physicochemical variation, residue mobility, and thermodynamic stability) performed at Invitae indicates that this missense variant is not expected to disrupt COL7A1 protein function. This variant has not been reported in the literature in individuals affected with COL7A1-related conditions. This variant is not present in population databases (gnomAD no frequency). This sequence change replaces glutamine, which is neutral and polar, with arginine, which is basic and polar, at codon 2408 of the COL7A1 protein (p.Gln2408Arg).